The following is an entry in ClinVar:

ClinVar aggregate classification (germline): Uncertain significance. Review status: criteria provided, multiple submitters, no conflicts (2 of 4 stars). 2 submissions from 2 submitters: Uncertain significance (2). Last evaluated 2022-08-08.

Conditions:
Progressive myoclonic epilepsy. Also called: Familial progressive myoclonic epilepsy; Myoclonic Epilepsies, Progressive; Myoclonus epilepsy; Progressive myoclonus epilepsy. Identifiers: Orphanet 308, Orphanet 98261, MedGen C0751778, MONDO:0020074.
Inborn genetic diseases. Identifiers: MedGen C0950123, MeSH D030342.

gnomAD v4.1: 3 of 1,614,096 alleles (0.00019%); highest among the groups gnomAD compares: South Asian, 0.0011%; no homozygotes.

Submissions (2):

Labcorp Genetics (formerly Invitae), Labcorp
Classification: Uncertain significance for Progressive myoclonic epilepsy. Last evaluated: 2022-08-08. Review status: criteria provided, single submitter. Criteria: Invitae Variant Classification Sherloc (09022015). Collection method: clinical testing. Allele origin: germline.
Comment: This sequence change replaces arginine, which is basic and polar, with glutamine, which is neutral and polar, at codon 294 of the SCARB2 protein (p.Arg294Gln). This variant is present in population databases (no rsID available, gnomAD 0.01%). This variant has not been reported in the literature in individuals affected with SCARB2-related conditions. ClinVar contains an entry for this variant (Variation ID: 1480648). Algorithms developed to predict the effect of missense changes on protein structure and function (SIFT, PolyPhen-2, Align-GVGD) all suggest that this variant is likely to be disruptive. Algorithms developed to predict the effect of sequence changes on RNA splicing suggest that this variant may create or strengthen a splice site. In summary, the available evidence is currently insufficient to determine the role of this variant in disease. Therefore, it has been classified as a Variant of Uncertain Significance.

Ambry Genetics
Classification: Uncertain significance for Inborn genetic diseases. Last evaluated: 2020-06-22. Review status: criteria provided, single submitter. Criteria: Ambry Variant Classification Scheme 2023. Collection method: clinical testing. Allele origin: germline.
Comment: The p.R294Q variant (also known as c.881G>A), located in coding exon 7 of the SCARB2 gene, results from a G to A substitution at nucleotide position 881. The arginine at codon 294 is replaced by glutamine, an amino acid with highly similar properties. This amino acid position is highly conserved in available vertebrate species. In addition, this alteration is predicted to be deleterious by in silico analysis. Since supporting evidence is limited at this time, the clinical significance of this alteration remains unclear.

NM_005506.4(SCARB2):c.881G>A (p.Arg294Gln)

Gene: SCARB2 (scavenger receptor class B member 2; minus strand). Cytogenetic location: 4q21.1.
Variant type: single nucleotide variant.
Coding change: c.881G>A on transcript NM_005506.4 (MANE Select); coding-DNA position 881, G replaced by A.
Protein change: p.Arg294Gln; replaces arginine 294 with glutamine.
Molecular consequence: missense variant.
Genome position (GRCh38, 1-based): chr4:76,174,257, C>T on the plus strand (G>A on the coding strand, the complement: SCARB2 is on the minus strand). VCF-style: chr4-76174257-C-T. GRCh37 (hg19) VCF-style: chr4-77095410-C-T.
Other names: c.452G>A, p.Arg151Gln (NM_001204255.2); short protein forms R151Q, R294Q.
Identifiers: ClinVar variation 1480648 (VCV001480648.5), dbSNP rs752667549, ClinGen allele CA99890216.